The following is an entry in ClinVar:

NM_002234.4(KCNA5):c.688A>C (p.Asn230His)

Gene: KCNA5 (potassium voltage-gated channel subfamily A member 5; plus strand). Cytogenetic location: 12p13.32.
Variant type: single nucleotide variant.
Coding change: c.688A>C on transcript NM_002234.4 (MANE Select); coding-DNA position 688, A replaced by C.
Protein change: p.Asn230His; replaces asparagine 230 with histidine.
Molecular consequence: missense variant.
Genome position (GRCh38, 1-based): chr12:5,044,835, A>C. VCF-style: chr12-5044835-A-C. GRCh37 (hg19) VCF-style: chr12-5154001-A-C.
Other names: short protein forms N230H.
Identifiers: ClinVar variation 1035260 (VCV001035260.8), dbSNP rs1283845498, ClinGen allele CA383464949.

ClinVar aggregate classification (germline): Uncertain significance (1 of 4 stars; one submission).

Conditions:
Atrial fibrillation, familial, 7 (ATFB7). Identifiers: MedGen C2677106, MONDO:0012828, OMIM 612240.

Allele frequency attached by ClinVar (database versions not stated): gnomAD below 0.00001 and 0.00001; gnomAD exomes 0.00001 and 0.00002.

Submission:

Labcorp Genetics (formerly Invitae), Labcorp
Classification: Uncertain significance for Atrial fibrillation, familial, 7. Last evaluated: 2022-12-06. Review status: criteria provided, single submitter. Criteria: Invitae Variant Classification Sherloc (09022015). Collection method: clinical testing. Allele origin: germline.
Comment: In summary, the available evidence is currently insufficient to determine the role of this variant in disease. Therefore, it has been classified as a Variant of Uncertain Significance. Advanced modeling of protein sequence and biophysical properties (such as structural, functional, and spatial information, amino acid conservation, physicochemical variation, residue mobility, and thermodynamic stability) performed at Invitae indicates that this missense variant is not expected to disrupt KCNA5 protein function. ClinVar contains an entry for this variant (Variation ID: 1035260). This variant has not been reported in the literature in individuals affected with KCNA5-related conditions. This variant is present in population databases (no rsID available, gnomAD 0.01%). This sequence change replaces asparagine, which is neutral and polar, with histidine, which is basic and polar, at codon 230 of the KCNA5 protein (p.Asn230His).